The following is an entry in ClinVar:

NM_001378418.1(TCF20):c.4346C>T (p.Thr1449Ile)

Gene: TCF20 (transcription factor 20; minus strand). Cytogenetic location: 22q13.2.
Variant type: single nucleotide variant.
Coding change: c.4346C>T on transcript NM_001378418.1 (MANE Select); coding-DNA position 4346, C replaced by T.
Protein change: p.Thr1449Ile; replaces threonine 1449 with isoleucine.
Molecular consequence: missense variant.
Genome position (GRCh38, 1-based): chr22:42,210,960, G>A on the plus strand (C>T on the coding strand, the complement: TCF20 is on the minus strand). VCF-style: chr22-42210960-G-A. GRCh37 (hg19) VCF-style: chr22-42606966-G-A.
Other names: c.4346C>T, p.Thr1449Ile (NM_005650.4, NM_181492.3); short protein forms T1449I.
Identifiers: ClinVar variation 1698100 (VCV001698100.9), dbSNP rs1270397230, ClinGen allele CA411784521.

ClinVar aggregate classification (germline): Uncertain significance. Review status: criteria provided, multiple submitters, no conflicts (2 of 4 stars). 3 submissions from 3 submitters: Uncertain significance (3). Last evaluated 2025-11-17.

Allele frequency attached by ClinVar (database versions not stated): gnomAD exomes below 0.00001.
gnomAD v4.1: 2 of 1,614,152 alleles (0.00012%); highest among the groups gnomAD compares: Admixed American, 0.0033%; no homozygotes.

Submissions (3):

Dasa
Classification: Uncertain significance. Last evaluated: 2025-11-17. Review status: criteria provided, single submitter. Criteria: DASA Assertion Criteria. Collection method: clinical testing. Allele origin: germline.
Comment: NM_001378418.1(TCF20):c.4346C>T (p.Thr1449Ile) is a missense variant that results in the substitution of threonine with isoleucine. This variant is rare in population databases. Computational prediction algorithms are consistent with a benign effect. The currently available literature and clinical evidence are not sufficient to establish a definitive association between this variant and the reported condition. Therefore, this variant is classified as a variant of uncertain significance.

Labcorp Genetics (formerly Invitae), Labcorp
Classification: Uncertain significance. Last evaluated: 2022-07-30. Review status: criteria provided, single submitter. Criteria: Invitae Variant Classification Sherloc (09022015). Collection method: clinical testing. Allele origin: germline.
Comment: This sequence change replaces threonine, which is neutral and polar, with isoleucine, which is neutral and non-polar, at codon 1449 of the TCF20 protein (p.Thr1449Ile). This variant is present in population databases (no rsID available, gnomAD 0.003%). This variant has not been reported in the literature in individuals affected with TCF20-related conditions. Algorithms developed to predict the effect of missense changes on protein structure and function are either unavailable or do not agree on the potential impact of this missense change (SIFT: "Deleterious"; PolyPhen-2: "Benign"; Align-GVGD: "Class C0"). In summary, the available evidence is currently insufficient to determine the role of this variant in disease. Therefore, it has been classified as a Variant of Uncertain Significance.

GeneDx
Classification: Uncertain significance. Last evaluated: 2022-01-21. Review status: criteria provided, single submitter. Criteria: GeneDx Variant Classification Process June 2021. Collection method: clinical testing. Allele origin: germline. Affected: yes.
Comment: Not observed at significant frequency in large population cohorts (gnomAD); In silico analysis supports that this missense variant does not alter protein structure/function; Has not been previously published as pathogenic or benign to our knowledge